The following is an entry in ClinVar:

ClinVar aggregate classification (germline): Likely pathogenic (1 of 4 stars; one submission).

gnomAD v4.1: 8 of 1,599,776 alleles (0.0005%); highest among the groups gnomAD compares: Non-Finnish European, 0.00059%; no homozygotes.

Submission:

Dasa
Classification: Likely pathogenic. Last evaluated: 2026-02-02. Review status: criteria provided, single submitter. Criteria: DASA Assertion Criteria. Collection method: clinical testing. Allele origin: germline.
Comment: NM_000383.4(AIRE):c.995+3G>T is a splice-region variant. Segregation data support an association with disease in the reported family/families. This variant has been recurrently observed in individuals with AIRE-related disorders (PMID: 21295522; PMID: 28323927). Also, this variant is rare in population databases. Based on the currently available evidence, this variant is classified as likely pathogenic.

Literature cited by the submitters: PubMed 21295522; PubMed 28323927.

NM_000383.4(AIRE):c.995+3G>T

Gene: AIRE (autoimmune regulator; plus strand). Cytogenetic location: 21q22.3.
Variant type: single nucleotide variant.
Coding change: c.995+3G>T on transcript NM_000383.4 (MANE Select); 3 bases into the intron after coding-DNA position 995, G replaced by T.
Molecular consequence: intron variant.
Genome position (GRCh38, 1-based): chr21:44,291,213, G>T. VCF-style: chr21-44291213-G-T. GRCh37 (hg19) VCF-style: chr21-45711096-G-T.
Identifiers: ClinVar variation 4884225 (VCV004884225.2).